The following is an entry in ClinVar:

ClinVar aggregate classification (germline): Pathogenic (1 of 4 stars; one submission).

Submission:

Labcorp Genetics (formerly Invitae), Labcorp
Classification: Pathogenic. Last evaluated: 2024-09-03. Review status: criteria provided, single submitter. Criteria: Invitae Variant Classification Sherloc (09022015). Collection method: clinical testing. Allele origin: germline.
Comment: This sequence change replaces leucine, which is neutral and non-polar, with arginine, which is basic and polar, at codon 153 of the KRT10 protein (p.Leu153Arg). This variant is not present in population databases (gnomAD no frequency). This missense change has been observed in individual(s) with epidermolytic ichthyosis (internal data). In at least one individual the variant was observed to be de novo. Invitae Evidence Modeling of protein sequence and biophysical properties (such as structural, functional, and spatial information, amino acid conservation, physicochemical variation, residue mobility, and thermodynamic stability) has been performed for this missense variant. However, the output from this modeling did not meet the statistical confidence thresholds required to predict the impact of this variant on KRT10 protein function. This variant disrupts the p.Leu153 amino acid residue in KRT10. Other variant(s) that disrupt this residue have been determined to be pathogenic (PMID: 11407994, 25128122, 26338057). This suggests that this residue is clinically significant, and that variants that disrupt this residue are likely to be disease-causing. For these reasons, this variant has been classified as Pathogenic.

Literature cited by the submitters: PubMed 11407994; PubMed 25128122; PubMed 26338057.

NM_000421.5(KRT10):c.458T>G (p.Leu153Arg)

Genes: KRT10 (keratin 10; minus strand), KRT10-AS1 (KRT10 antisense RNA 1; plus strand). Cytogenetic location: 17q21.2.
Variant type: single nucleotide variant.
Coding change: c.458T>G on transcript NM_000421.5 (MANE Select); coding-DNA position 458, T replaced by G.
Protein change: p.Leu153Arg; replaces leucine 153 with arginine.
Molecular consequence: missense variant.
Genome position (GRCh38, 1-based): chr17:40,822,128, A>C on the plus strand (T>G on the coding strand, the complement: KRT10 is on the minus strand). VCF-style: chr17-40822128-A-C. GRCh37 (hg19) VCF-style: chr17-38978380-A-C.
Other names: c.458T>G, p.Leu153Arg (NM_001379366.1); short protein forms L153R.
Identifiers: ClinVar variation 3661484 (VCV003661484.2).
Genomic context (GRCh38, chr17:40,822,128, plus strand): 5'-TCATAGTTTGATTCTTCCAGAGCCCGAACTTTGTCCAAGTAGGAAGCCAGGCGGTCATTC[A>C]GATTCTGCATGGTTACTTTTTCATTTCCAGAGAGAAGGCCACCATCTCCTCCAAATCCAC-3'
Protein context (NP_000412.4, residues 143-163): SGNEKVTMQN[Leu153Arg]NDRLASYLDK